The following is an entry in ClinVar:

ClinVar aggregate classification (germline): Uncertain significance. Review status: criteria provided, multiple submitters, no conflicts (2 of 4 stars). 2 submissions from 2 submitters: Uncertain significance (2). Last evaluated 2025-12-31.

gnomAD v4.1: 12 of 1,613,872 alleles (0.00074%); highest among the groups gnomAD compares: South Asian, 0.0022%; no homozygotes.

Submissions (2):

Labcorp Genetics (formerly Invitae), Labcorp
Classification: Uncertain significance. Last evaluated: 2025-12-31. Review status: criteria provided, single submitter. Criteria: Invitae Variant Classification Sherloc (09022015). Collection method: clinical testing. Allele origin: germline.
Comment: This sequence change replaces arginine, which is basic and polar, with tryptophan, which is neutral and slightly polar, at codon 1153 of the NIN protein (p.Arg1153Trp). This variant is present in population databases (rs757331038, gnomAD 0.003%). This variant has not been reported in the literature in individuals affected with NIN-related conditions. ClinVar contains an entry for this variant (Variation ID: 3707802). An algorithm developed to predict the effect of missense changes on protein structure and function (PolyPhen-2) suggests that this variant is likely to be disruptive. In summary, the available evidence is currently insufficient to determine the role of this variant in disease. Therefore, it has been classified as a Variant of Uncertain Significance.

Ambry Genetics
Classification: Uncertain significance. Last evaluated: 2025-11-19. Review status: criteria provided, single submitter. Criteria: Ambry Variant Classification Scheme 2023. Collection method: clinical testing. Allele origin: germline.

NM_020921.4(NIN):c.3457C>T (p.Arg1153Trp)

Gene: NIN (ninein; minus strand). Cytogenetic location: 14q22.1.
Variant type: single nucleotide variant.
Coding change: c.3457C>T on transcript NM_020921.4 (MANE Select); coding-DNA position 3457, C replaced by T.
Protein change: p.Arg1153Trp; replaces arginine 1153 with tryptophan.
Molecular consequence: missense variant. On other transcripts: intron variant (1).
Genome position (GRCh38, 1-based): chr14:50,757,573, G>A on the plus strand (C>T on the coding strand, the complement: NIN is on the minus strand). VCF-style: chr14-50757573-G-A. GRCh37 (hg19) VCF-style: chr14-51224291-G-A.
Other names: c.3457C>T (NM_020921.3); c.3457C>T, p.Arg1153Trp (NM_182944.3, NM_182946.2); c.2399+2284C>T (NM_016350.5); short protein forms R1153W.
Identifiers: ClinVar variation 3707802 (VCV003707802.3).